The following is an entry in ClinVar:

NM_000346.4(SOX9):c.1418A>G (p.Gln473Arg)

Gene: SOX9 (SRY-box transcription factor 9; plus strand). Cytogenetic location: 17q24.3.
Variant type: single nucleotide variant.
Coding change: c.1418A>G on transcript NM_000346.4 (MANE Select); coding-DNA position 1418, A replaced by G.
Protein change: p.Gln473Arg; replaces glutamine 473 with arginine.
Molecular consequence: missense variant.
Genome position (GRCh38, 1-based): chr17:72,124,275, A>G. VCF-style: chr17-72124275-A-G. GRCh37 (hg19) VCF-style: chr17-70120416-A-G.
Other names: short protein forms Q473R.
Identifiers: ClinVar variation 423957 (VCV000423957.2), dbSNP rs1064796718, ClinGen allele CA16620598.
Genomic context (GRCh38, chr17:72,124,275, plus strand): 5'-GCCACGCGGCAGGCCAGGGCACCGGCCTCTACTCCACCTTCACCTACATGAACCCCGCTC[A>G]GCGCCCCATGTACACCCCCATCGCCGACACCTCTGGGGTCCCTTCCATCCCGCAGACCCA-3'
Protein context (NP_000337.1, residues 463-483): YSTFTYMNPA[Gln473Arg]RPMYTPIADT

ClinVar aggregate classification (germline): Likely pathogenic (1 of 4 stars; one submission).

Submission:

GeneDx
Classification: Likely pathogenic. Last evaluated: 2017-02-28. Review status: criteria provided, single submitter. Criteria: GeneDx Variant Classification (06012015). Collection method: clinical testing. Allele origin: germline. Affected: yes.
Comment: The Q473R variant has not been published as a pathogenic variant, nor has it been reported as a benign variant to our knowledge. This variant was observed as apparently de novo at GeneDx. The Q473R variant is not observed in large population cohorts (Lek et al., 2016; 1000 Genomes Consortium et al., 2015; Exome Variant Server). The Q473R variant is a semi-conservative amino acid substitution, which may impact secondary protein structure as these residues differ in some properties. This substitution occurs at a position that is conserved across species, and in silico analysis predicts this variant is probably damaging to the protein structure/function. Therefore, we consider this variant to be likely pathogenic.